The following is an entry in ClinVar:

ClinVar aggregate classification (germline): Pathogenic. Review status: reviewed by expert panel (3 of 4 stars). 4 submissions from 4 submitters: Pathogenic (1). 3 of the submissions do not count toward it. Last evaluated 2025-09-05.

Conditions:
Primary ciliary dyskinesia. Also called: Ciliary dyskinesia. Identifiers: Orphanet 244, MedGen C0008780, MONDO:0016575, HP:0012265.
RPGR-related disorder. Also called: RPGR-related condition.
Retinal dystrophy. Also called: Inherited retinal dystrophy. Identifiers: Orphanet 71862, MedGen C0854723, MeSH D058499, MONDO:0019118, HP:0000556.
RPGR-related retinopathy. Also called: RPGR retinopathy. Identifiers: MedGen CN305589, MONDO:0100437.

Submissions (4):

ClinGen X-linked Inherited Retinal Disease Variant Curation Expert Panel, ClinGen
Classification: Pathogenic for RPGR-related retinopathy. Last evaluated: 2025-09-05. Review status: reviewed by expert panel. Criteria: ClinGen X LinkedIRD ACMG Specifications RPGR V1.0.0. Collection method: curation. Allele origin: germline. Inheritance: X-linked inheritance.
Comment: NM_001034853.2(RPGR):c.247+5G>A is an intronic variant located in intron 3. The splicing impact predictor SpliceAI gives a score of 0.65 for donor loss, which is above the ClinGen X-linked IRD VCEP recommended threshold of ≥0.2 and predicts a damaging impact on splicing, while cells expressing a construct harboring the variant splice site generated a smaller mRNA in comparison to the wild-type control, indicating severely defective splicing (PMID: 33467000, PVS1_RNA). The PP3 and PS3_Supporting codes were not met as the evidence has been combined to meet PVS1 instead. This variant is absent from gnomAD v4.1.0 (PM2_Supporting). At least one proband harboring this variant exhibits a phenotype including a family history consistent with X-linked inheritance (2 pts) including a relatively mildly affected female (1 pt), early onset (1 pt), high myopia (1 pt), night blindness (0.5 pts), photophobia (0.5 pts), color vision defect (0.5 pts), visual field constriction (0.5 pts), reduced visual acuity (0.5 pts), and bone spicule pigmentation (0.5 pts), which together are highly specific for RPGR-related retinopathy (8 points, PP4_Moderate). This variant has been reported in at least 1 proband meeting one of the PS4 requirements of a male with some functional vision impairment by age 30 years and/or decreased or absent electroretinogram responses, or a female with functional visual abnormality and documentation of a male relative affected with retinitis pigmentosa, in addition to the second apparently unrelated proband previously used for the PP4 code (PMID: 28863407, PS4_Supporting). The variant has been reported to segregate with retinal dystrophy through an affected mother and son from 1 family (PP1; PMID: 33467000). In summary, this variant is classified as pathogenic for RPGR-related retinopathy based on the ClinGen X-linked Inherited Retinal Disease Expert Panel Specifications to the ACMG/AMP Variant Interpretation Guidelines for RPGR Version 1.0.0; PVS1, PS4_Supporting, PM2_Supporting, PP1, and PP4_Moderate.

Labcorp Genetics (formerly Invitae), Labcorp
Classification: Pathogenic for Primary ciliary dyskinesia. Last evaluated: 2024-10-18. Review status: criteria provided, single submitter. Criteria: Invitae Variant Classification Sherloc (09022015). Collection method: clinical testing. Allele origin: germline. Not counted in ClinVar's aggregate classification.
Comment: This sequence change falls in intron 3 of the RPGR gene. It does not directly change the encoded amino acid sequence of the RPGR protein. RNA analysis indicates that this variant induces altered splicing and likely results in a shortened protein product. This variant is not present in population databases (gnomAD no frequency). This variant has been observed in individual(s) with retinitis pigmentosa (PMID: 33467000). ClinVar contains an entry for this variant (Variation ID: 865888). Variants that disrupt the consensus splice site are a relatively common cause of aberrant splicing (PMID: 17576681, 9536098). Studies have shown that this variant results in skipping of exon 3, but is expected to preserve the integrity of the reading-frame (PMID: 33467000). This variant disrupts a region of the RPGR protein in which other variant(s) (p.Gly60Val) have been determined to be pathogenic (PMID: 9399904, 9855162, 10937588). This suggests that this is a clinically significant region of the protein, and that variants that disrupt it are likely to be disease-causing. For these reasons, this variant has been classified as Pathogenic.

Blueprint Genetics
Classification: Pathogenic for RPGR-related disorders. Last evaluated: 2019-02-26. Review status: criteria provided, single submitter. Criteria: ACMG Guidelines, 2015. Collection method: clinical testing. Allele origin: germline. Affected: yes. Observed: 4 variant alleles. Not counted in ClinVar's aggregate classification.

Institute of Human Genetics, Univ. Regensburg, Univ. Regensburg
Classification: Likely pathogenic for Retinal dystrophy. Last evaluated: 2011-01-01. Review status: criteria provided, single submitter. Criteria: ACMG Guidelines, 2015. Collection method: clinical testing. Allele origin: germline. Affected: yes. Not counted in ClinVar's aggregate classification.

Literature cited by the submitters: PubMed 33467000 (cited by Labcorp Genetics (formerly Invitae), Labcorp); PubMed 17576681 (cited by Labcorp Genetics (formerly Invitae), Labcorp); PubMed 9536098 (cited by Labcorp Genetics (formerly Invitae), Labcorp); PubMed 9399904 (cited by Labcorp Genetics (formerly Invitae), Labcorp); PubMed 9855162 (cited by Labcorp Genetics (formerly Invitae), Labcorp); PubMed 10937588 (cited by Labcorp Genetics (formerly Invitae), Labcorp); PubMed 28863407 (cited by Institute of Human Genetics, Univ. Regensburg, Univ. Regensburg).

NM_001034853.2(RPGR):c.247+5G>A

Gene: RPGR (retinitis pigmentosa GTPase regulator; minus strand). Cytogenetic location: Xp11.4.
Variant type: single nucleotide variant.
Coding change: c.247+5G>A on transcript NM_001034853.2 (MANE Select); 5 bases into the intron after coding-DNA position 247, G replaced by A.
Molecular consequence: intron variant.
Genome position (GRCh38, 1-based): chrX:38,322,848, C>T on the plus strand (G>A on the coding strand, the complement: RPGR is on the minus strand). VCF-style: chrX-38322848-C-T. GRCh37 (hg19) VCF-style: chrX-38182101-C-T.
Other names: c.247+5G>A (NM_001367249.1, NM_001367250.1, NM_001367245.1 and 4 more transcripts); c.277+5G>A (NM_001367248.1).
Identifiers: ClinVar variation 865888 (VCV000865888.7), dbSNP rs2067974156, ClinGen allele CA916083926.